The following is an entry in ClinVar:

NM_004629.2(FANCG):c.1367A>C (p.His456Pro)

Gene: FANCG (FA complementation group G; minus strand). Cytogenetic location: 9p13.3.
Variant type: single nucleotide variant.
Coding change: c.1367A>C on transcript NM_004629.2 (MANE Select); coding-DNA position 1367, A replaced by C.
Protein change: p.His456Pro; replaces histidine 456 with proline.
Molecular consequence: missense variant.
Genome position (GRCh38, 1-based): chr9:35,075,531, T>G on the plus strand (A>C on the coding strand, the complement: FANCG is on the minus strand). VCF-style: chr9-35075531-T-G. GRCh37 (hg19) VCF-style: chr9-35075528-T-G.
Other names: short protein forms H456P.
Identifiers: ClinVar variation 5036520 (VCV005036520.1).

ClinVar aggregate classification (germline): Uncertain significance (1 of 4 stars; one submission).

Conditions:
Inborn genetic diseases. Identifiers: MedGen C0950123, MeSH D030342.

gnomAD v4.1: 4 of 1,614,052 alleles (0.00025%); highest among the groups gnomAD compares: Non-Finnish European, 0.00034%; no homozygotes.

Submission:

Ambry Genetics
Classification: Uncertain significance for Inborn genetic diseases. Last evaluated: 2026-07-30. Review status: criteria provided, single submitter. Criteria: Ambry Variant Classification Scheme 2023. Collection method: clinical testing. Allele origin: germline.
Comment: The p.H456P variant (also known as c.1367A>C), located in coding exon 10 of the FANCG gene, results from an A to C substitution at nucleotide position 1367. The histidine at codon 456 is replaced by proline, an amino acid with similar properties. This amino acid position is conserved. In addition, this alteration is predicted to be tolerated by in silico analysis. Based on the available evidence, the clinical significance of this variant remains unclear.